The following is an entry in ClinVar:

NM_000565.4(IL6R):c.772C>T (p.Arg258Trp)

Gene: IL6R (interleukin 6 receptor; plus strand). Cytogenetic location: 1q21.3.
Variant type: single nucleotide variant.
Coding change: c.772C>T on transcript NM_000565.4 (MANE Select); coding-DNA position 772, C replaced by T.
Protein change: p.Arg258Trp; replaces arginine 258 with tryptophan.
Molecular consequence: missense variant.
Genome position (GRCh38, 1-based): chr1:154,435,121, C>T. VCF-style: chr1-154435121-C-T. GRCh37 (hg19) VCF-style: chr1-154407597-C-T.
Other names: c.772C>T, p.Arg258Trp (NM_001206866.2, NM_001382769.1, NM_001382770.1 and 4 more transcripts); c.412C>T, p.Arg138Trp (NM_001382774.1); short protein forms R258W, R138W.
Identifiers: ClinVar variation 1474672 (VCV001474672.6), dbSNP rs746390787, ClinGen allele CA1129107.
Genomic context (GRCh38, chr1:154,435,121, plus strand): 5'-TGGCAAGACCCCCACTCCTGGAACTCATCTTTCTACAGACTACGGTTTGAGCTCAGATAT[C>T]GGGCTGAACGGTCAAAGACATTCACAACATGGATGGTAAATTTATGTTTTACTTCTGGTC-3'
Protein context (NP_000556.1, residues 248-268): FYRLRFELRY[Arg258Trp]AERSKTFTTW

ClinVar aggregate classification (germline): Uncertain significance (1 of 4 stars; one submission).

Allele frequency attached by ClinVar (database versions not stated): gnomAD exomes 0.00001 and 0.00002; ExAC 0.00003.
gnomAD v4.1: 17 of 1,614,078 alleles (0.0011%); highest among the groups gnomAD compares: East Asian, 0.011%; no homozygotes.

Submission:

Labcorp Genetics (formerly Invitae), Labcorp
Classification: Uncertain significance. Last evaluated: 2021-08-18. Review status: criteria provided, single submitter. Criteria: Invitae Variant Classification Sherloc (09022015). Collection method: clinical testing. Allele origin: germline.
Comment: This sequence change replaces arginine with tryptophan at codon 258 of the IL6R protein (p.Arg258Trp). The arginine residue is highly conserved and there is a moderate physicochemical difference between arginine and tryptophan. This variant is present in population databases (rs746390787, ExAC 0.05%). This variant has not been reported in the literature in individuals affected with IL6R-related conditions. Algorithms developed to predict the effect of missense changes on protein structure and function (SIFT, PolyPhen-2, Align-GVGD) all suggest that this variant is likely to be disruptive. In summary, the available evidence is currently insufficient to determine the role of this variant in disease. Therefore, it has been classified as a Variant of Uncertain Significance.